The following is an entry in ClinVar:

NM_001329943.3(KIAA0586):c.1129+6A>C

Gene: KIAA0586 (KIAA0586; plus strand). Cytogenetic location: 14q23.1.
Variant type: single nucleotide variant.
Coding change: c.1129+6A>C on transcript NM_001329943.3 (MANE Select); 6 bases into the intron after coding-DNA position 1129, A replaced by C.
Molecular consequence: intron variant.
Genome position (GRCh38, 1-based): chr14:58,450,752, A>C. VCF-style: chr14-58450752-A-C. GRCh37 (hg19) VCF-style: chr14-58917470-A-C.
Other names: c.1288+6A>C (NM_001244189.2); c.1084+6A>C (NM_001244190.2); c.997+6A>C (NM_001244192.2); c.874+6A>C (NM_001244191.2, NM_001364701.2, NM_001329945.2 and 1 more transcripts); c.1129+6A>C (NM_001329944.2, NM_001329946.2, NM_001329947.2 and 1 more transcripts); c.709+6A>C (NM_001244193.2).
Identifiers: ClinVar variation 1956632 (VCV001956632.5), dbSNP rs1239757706, ClinGen allele CA707257128.

ClinVar aggregate classification (germline): Uncertain significance (1 of 4 stars; one submission).

Conditions:
Short-rib thoracic dysplasia 14 with polydactyly (SRTD14). Identifiers: Orphanet 397715, MedGen C4225286, MONDO:0014688, OMIM 616546.
Joubert syndrome 23 (JBTS23). Identifiers: Orphanet 475, MedGen C4084822, MONDO:0014664, OMIM 616490.

gnomAD v4.1: 2 of 1,575,076 alleles (0.00013%); highest among the groups gnomAD compares: Non-Finnish European, 0.000087%; no homozygotes.

Submission:

Labcorp Genetics (formerly Invitae), Labcorp
Classification: Uncertain significance for Joubert syndrome 23; Short-rib thoracic dysplasia 14 with polydactyly. Last evaluated: 2025-12-29. Review status: criteria provided, single submitter. Criteria: Invitae Variant Classification Sherloc (09022015). Collection method: clinical testing. Allele origin: germline.
Comment: This sequence change falls in intron 10 of the KIAA0586 gene. It does not directly change the encoded amino acid sequence of the KIAA0586 protein. It affects a nucleotide within the consensus splice site. This variant is not present in population databases (gnomAD no frequency). This variant has not been reported in the literature in individuals affected with KIAA0586-related conditions. ClinVar contains an entry for this variant (Variation ID: 1956632). Variants that disrupt the consensus splice site are a relatively common cause of aberrant splicing (PMID: 17576681, 9536098). Algorithms developed to predict the effect of sequence changes on RNA splicing suggest that this variant is not likely to affect RNA splicing. In summary, the available evidence is currently insufficient to determine the role of this variant in disease. Therefore, it has been classified as a Variant of Uncertain Significance.

Literature cited by the submitters: PubMed 17576681; PubMed 9536098.